The following is an entry in ClinVar:

NC_000023.11:g.38352540T>G

Gene: OTC (ornithine transcarbamylase; plus strand). Cytogenetic location: Xp11.4.
Variant type: single nucleotide variant.
Genome position: GRCh38 VCF-style: chrX-38352540-T-G. GRCh37 (hg19) VCF-style: chrX-38211793-T-G.
Identifiers: ClinVar variation 487480 (VCV000487480.4), dbSNP rs1555970997, ClinGen allele CA658799697.

ClinVar aggregate classification (germline): Likely pathogenic (0 of 4 stars; one submission).

Conditions:
Ornithine carbamoyltransferase deficiency (OTCD). Also called: ORNITHINE TRANSCARBAMYLASE DEFICIENCY; ORNITHINE TRANSCARBAMYLASE DEFICIENCY, HYPERAMMONEMIA DUE TO; OTC DEFICIENCY; Ornithine Carbamoyltransferase Deficiency Disease. Identifiers: Orphanet 664, MedGen C0268542, MONDO:0010703, OMIM 311250.

Submission:

Caldovic Lab, Children's National Health System
Classification: Likely pathogenic for Ornithine carbamoyltransferase deficiency. Last evaluated: 2017-12-12. Review status: no assertion criteria provided. Collection method: research. Allele origin: inherited, not applicable. Inheritance: X-linked recessive inheritance. Affected: yes.
Comment: Functional testing in cultured cells indicates reduced expression of reporter gene.

Literature cited by the submitters: PubMed 29282796.